The following is an entry in ClinVar:

NM_213655.5(WNK1):c.3623T>C (p.Leu1208Pro)

Gene: WNK1 (WNK lysine deficient protein kinase 1; plus strand). Cytogenetic location: 12p13.33.
Variant type: single nucleotide variant.
Coding change: c.3623T>C on transcript NM_213655.5 (MANE Plus Clinical); coding-DNA position 3623, T replaced by C.
Protein change: p.Leu1208Pro; replaces leucine 1208 with proline.
Molecular consequence: missense variant. On other transcripts: intron variant (2).
Genome position (GRCh38, 1-based): chr12:869,094, T>C. VCF-style: chr12-869094-T-C. GRCh37 (hg19) VCF-style: chr12-978260-T-C.
Other names: c.3368T>C, p.Leu1123Pro (NM_001184985.2); c.2140-2171T>C (NM_018979.4, NM_014823.3); short protein forms L1123P, L1208P.
Identifiers: ClinVar variation 1733349 (VCV001733349.7), dbSNP rs1234365182, ClinGen allele CA383342496.

ClinVar aggregate classification (germline): Uncertain significance. Review status: criteria provided, multiple submitters, no conflicts (2 of 4 stars). 2 submissions from 2 submitters: Uncertain significance (2). Last evaluated 2025-03-26.

Conditions:
Inborn genetic diseases. Identifiers: MedGen C0950123, MeSH D030342.
Neuropathy, hereditary sensory and autonomic, type 2A (HSAN2A). Also called: MORVAN DISEASE; NEUROPATHY, CONGENITAL SENSORY; NEUROPATHY, HEREDITARY SENSORY RADICULAR, AUTOSOMAL RECESSIVE; NEUROPATHY, HEREDITARY SENSORY, TYPE IIA; NEUROPATHY, PROGRESSIVE SENSORY, OF CHILDREN; ACROOSTEOLYSIS, GIACCAI TYPE. Identifiers: Orphanet 970, MedGen C2752089, MONDO:0024309, OMIM 201300.
Pseudohypoaldosteronism type 2C (PHA2C). Also called: Pseudohypoaldosteronism Type IIC. Identifiers: Orphanet 757, Orphanet 88940, MedGen C1840391, MONDO:0013778, OMIM 614492.

Allele frequency attached by ClinVar (database versions not stated): TOPMed below 0.00001; gnomAD exomes 0.00001.
gnomAD v4.1: 12 of 1,614,026 alleles (0.00074%); highest among the groups gnomAD compares: Admixed American, 0.0017%; no homozygotes.

Submissions (2):

Labcorp Genetics (formerly Invitae), Labcorp
Classification: Uncertain significance for Neuropathy, hereditary sensory and autonomic, type 2A; Pseudohypoaldosteronism type 2C. Last evaluated: 2025-03-26. Review status: criteria provided, single submitter. Criteria: Invitae Variant Classification Sherloc (09022015). Collection method: clinical testing. Allele origin: germline.
Comment: This sequence change replaces leucine, which is neutral and non-polar, with proline, which is neutral and non-polar, at codon 1208 of the WNK1 protein (p.Leu1208Pro). This variant is present in population databases (no rsID available, gnomAD 0.003%). This variant has not been reported in the literature in individuals affected with WNK1-related conditions. ClinVar contains an entry for this variant (Variation ID: 1733349). Invitae Evidence Modeling of protein sequence and biophysical properties (such as structural, functional, and spatial information, amino acid conservation, physicochemical variation, residue mobility, and thermodynamic stability) indicates that this missense variant is not expected to disrupt WNK1 protein function with a negative predictive value of 95%. In summary, the available evidence is currently insufficient to determine the role of this variant in disease. Therefore, it has been classified as a Variant of Uncertain Significance.

Ambry Genetics
Classification: Uncertain significance for Inborn genetic diseases. Last evaluated: 2021-10-19. Review status: criteria provided, single submitter. Criteria: Ambry Variant Classification Scheme 2023. Collection method: clinical testing. Allele origin: germline.
Comment: The p.L1208P variant (also known as c.3623T>C), located in coding exon 10 of the WNK1 gene, results from a T to C substitution at nucleotide position 3623. The leucine at codon 1208 is replaced by proline, an amino acid with similar properties. This amino acid position is well conserved in available vertebrate species. In addition, this alteration is predicted to be tolerated by in silico analysis. Since supporting evidence is limited at this time, the clinical significance of this alteration remains unclear.